The following is an entry in ClinVar:

ClinVar aggregate classification (germline): Uncertain significance (1 of 4 stars; one submission).

Conditions:
Cardiovascular phenotype. Identifiers: MedGen CN230736.

Allele frequency attached by ClinVar (database versions not stated): gnomAD exomes below 0.00001.
gnomAD v4.1: 1 of 1,613,078 alleles (0.000062%); highest among the groups gnomAD compares: Non-Finnish European, 0.000085%; no homozygotes.

Submission:

Ambry Genetics
Classification: Uncertain significance for Cardiovascular phenotype. Last evaluated: 2015-11-06. Review status: criteria provided, single submitter. Criteria: Ambry Variant Classification Scheme 2023. Collection method: clinical testing. Allele origin: germline.
Comment: The p.E663Q variant (also known as c.1987G>C), located in coding exon 4 of the JPH2 gene, results from a G to C substitution at nucleotide position 1987. The glutamic acid at codon 663 is replaced by glutamine, an amino acid with highly similar properties. This variant was not reported in population based cohorts in the following databases: Database of Single Nucleotide Polymorphisms (dbSNP), NHLBI Exome Sequencing Project (ESP), and 1000 Genomes Project. In the ESP, this variant was not observed in 6503 samples (13006 alleles) with coverage at this position. This amino acid position is well conserved on limited sequence alignment. In addition, this alteration is predicted to be tolerated by in silico analysis. Since supporting evidence is limited at this time, the clinical significance of this variant remains unclear.

NM_020433.5(JPH2):c.1987G>C (p.Glu663Gln)

Gene: JPH2 (junctophilin 2; minus strand). Cytogenetic location: 20q13.12.
Variant type: single nucleotide variant.
Coding change: c.1987G>C on transcript NM_020433.5 (MANE Select); coding-DNA position 1987, G replaced by C.
Protein change: p.Glu663Gln; replaces glutamic acid 663 with glutamine.
Molecular consequence: missense variant.
Genome position (GRCh38, 1-based): chr20:44,115,688, C>G on the plus strand (G>C on the coding strand, the complement: JPH2 is on the minus strand). VCF-style: chr20-44115688-C-G. GRCh37 (hg19) VCF-style: chr20-42744328-C-G.
Other names: short protein forms E663Q.
Identifiers: ClinVar variation 264479 (VCV000264479.5), dbSNP rs886039170, ClinGen allele CA10587922.